The following is an entry in ClinVar:

NM_000051.4(ATM):c.2377-15T>C

Gene: ATM (ATM serine/threonine kinase; plus strand). Cytogenetic location: 11q22.3.
Variant type: single nucleotide variant.
Coding change: c.2377-15T>C on transcript NM_000051.4 (MANE Select); 15 bases into the intron before coding-DNA position 2377, T replaced by C.
Molecular consequence: intron variant.
Genome position (GRCh38, 1-based): chr11:108,258,971, T>C. VCF-style: chr11-108258971-T-C. GRCh37 (hg19) VCF-style: chr11-108129698-T-C.
Other names: c.2377-15T>C (NM_001351834.2).
Identifiers: ClinVar variation 926439 (VCV000926439.3), dbSNP rs2080690965, ClinGen allele CA913188491.

ClinVar aggregate classification (germline): Likely benign. Review status: criteria provided, multiple submitters, no conflicts (2 of 4 stars). 2 submissions from 2 submitters: Likely benign (2). Last evaluated 2024-05-08.

Conditions:
Hereditary cancer-predisposing syndrome. Also called: Neoplastic Syndromes, Hereditary; Tumor predisposition; Hereditary Cancer Syndrome; Hereditary neoplastic syndrome. Identifiers: Orphanet 140162, MedGen C0027672, MeSH D009386, MONDO:0015356.
Familial cancer of breast. Also called: BREAST CANCER, FAMILIAL; Hereditary breast cancer; hereditary breast carcinoma. Identifiers: Orphanet 227535, MedGen C0346153, MONDO:0016419, OMIM 114480. Disease mechanism: loss of function.

Allele frequency attached by ClinVar (database versions not stated): gnomAD exomes below 0.00001.
gnomAD v4.1: 3 of 1,602,192 alleles (0.00019%); highest among the groups gnomAD compares: Non-Finnish European, 0.00026%; no homozygotes.

Submissions (2):

Myriad Genetics, Inc.
Classification: Likely benign for Familial cancer of breast. Last evaluated: 2024-05-08. Review status: criteria provided, single submitter. Criteria: Myriad Autosomal Dominant, Autosomal Recessive and X-Linked Classification Criteria (2023). Collection method: clinical testing. Allele origin: unknown.
Comment: This variant is considered likely benign. This variant is intronic and is not expected to impact mRNA splicing.

Color Diagnostics, LLC DBA Color Health
Classification: Likely benign for Hereditary cancer-predisposing syndrome. Last evaluated: 2019-04-15. Review status: criteria provided, single submitter. Criteria: ACMG Guidelines, 2015. Collection method: clinical testing. Allele origin: germline.